The following is an entry in ClinVar:

ClinVar aggregate classification (germline): Uncertain significance (1 of 4 stars; one submission).

Conditions:
Cerebral creatine deficiency syndrome. Also called: Creatine deficiency syndromes. Identifiers: Orphanet 79172, MedGen C5244016, MONDO:0000456.

Allele frequency attached by ClinVar (database versions not stated): gnomAD exomes below 0.00001.

Submission:

Labcorp Genetics (formerly Invitae), Labcorp
Classification: Uncertain significance for Cerebral creatine deficiency syndrome. Last evaluated: 2022-07-01. Review status: criteria provided, single submitter. Criteria: Invitae Variant Classification Sherloc (09022015). Collection method: clinical testing. Allele origin: germline.
Comment: This variant has not been reported in the literature in individuals affected with GAMT-related conditions. This variant is present in population databases (no rsID available, gnomAD 0.0009%). This sequence change replaces leucine, which is neutral and non-polar, with methionine, which is neutral and non-polar, at codon 116 of the GAMT protein (p.Leu116Met). ClinVar contains an entry for this variant (Variation ID: 1397762). In summary, the available evidence is currently insufficient to determine the role of this variant in disease. Therefore, it has been classified as a Variant of Uncertain Significance. Algorithms developed to predict the effect of missense changes on protein structure and function are either unavailable or do not agree on the potential impact of this missense change (SIFT: "Deleterious"; PolyPhen-2: "Benign"; Align-GVGD: "Class C0").

NM_000156.6(GAMT):c.346C>A (p.Leu116Met)

Gene: GAMT (guanidinoacetate N-methyltransferase; minus strand). Cytogenetic location: 19p13.3.
Variant type: single nucleotide variant.
Coding change: c.346C>A on transcript NM_000156.6 (MANE Select); coding-DNA position 346, C replaced by A.
Protein change: p.Leu116Met; replaces leucine 116 with methionine.
Molecular consequence: missense variant.
Genome position (GRCh38, 1-based): chr19:1,399,569, G>T on the plus strand (C>A on the coding strand, the complement: GAMT is on the minus strand). VCF-style: chr19-1399569-G-T. GRCh37 (hg19) VCF-style: chr19-1399568-G-T.
Other names: c.346C>A, p.Leu116Met (NM_138924.3); short protein forms L116M.
Identifiers: ClinVar variation 1397762 (VCV001397762.8), dbSNP rs1467451589, ClinGen allele CA402995788.